The following is an entry in ClinVar:

ClinVar aggregate classification (germline): Likely benign (1 of 4 stars; one submission).

Submission:

CeGaT Center for Human Genetics Tuebingen
Classification: Likely benign. Last evaluated: 2025-01-01. Review status: criteria provided, single submitter. Criteria: CeGaT Center For Human Genetics Tuebingen Variant Classification Criteria Version 2. Collection method: clinical testing. Allele origin: germline. Affected: yes. Observed: 1 variant allele.
Comment: MYO7A: PM2:Supporting, BP4, BP7

NM_000260.4(MYO7A):c.4704C>T (p.Pro1568=)

Gene: MYO7A (myosin VIIA; plus strand). Cytogenetic location: 11q13.5.
Variant type: single nucleotide variant.
Coding change: c.4704C>T on transcript NM_000260.4 (MANE Select); coding-DNA position 4704, C replaced by T.
Protein change: p.Pro1568=; no amino-acid change (proline 1568 retained).
Molecular consequence: synonymous variant.
Genome position (GRCh38, 1-based): chr11:77,199,670, C>T. VCF-style: chr11-77199670-C-T. GRCh37 (hg19) VCF-style: chr11-76910715-C-T.
Other names: c.4590C>T, p.Pro1530= (NM_001127180.2); c.4557C>T, p.Pro1519= (NM_001369365.1).
Identifiers: ClinVar variation 3772300 (VCV003772300.13).